The following is an entry in ClinVar:

ClinVar aggregate classification (germline): Likely benign (1 of 4 stars; one submission).

Submission:

CeGaT Center for Human Genetics Tuebingen
Classification: Likely benign. Last evaluated: 2026-02-01. Review status: criteria provided, single submitter. Criteria: CeGaT Center For Human Genetics Tuebingen Variant Classification Criteria Version 2. Collection method: clinical testing. Allele origin: germline. Affected: yes. Observed: 1 variant allele.
Comment: KRTAP5-10: BP4, BP7

NM_001012710.2(KRTAP5-10):c.564T>C (p.Cys188=)

Gene: KRTAP5-10 (keratin associated protein 5-10; plus strand). Cytogenetic location: 11q13.4.
Variant type: single nucleotide variant.
Coding change: c.564T>C on transcript NM_001012710.2 (MANE Select); coding-DNA position 564, T replaced by C.
Protein change: p.Cys188=; no amino-acid change (cysteine 188 retained).
Molecular consequence: synonymous variant.
Genome position (GRCh38, 1-based): chr11:71,566,151, T>C. VCF-style: chr11-71566151-T-C. GRCh37 (hg19) VCF-style: chr11-71277197-T-C.
Identifiers: ClinVar variation 4820904 (VCV004820904.4).